The following is an entry in ClinVar:

NM_005045.4(RELN):c.6871C>T (p.Leu2291Phe)

Gene: RELN (reelin; minus strand). Cytogenetic location: 7q22.1.
Variant type: single nucleotide variant.
Coding change: c.6871C>T on transcript NM_005045.4 (MANE Select); coding-DNA position 6871, C replaced by T.
Protein change: p.Leu2291Phe; replaces leucine 2291 with phenylalanine.
Molecular consequence: missense variant.
Genome position (GRCh38, 1-based): chr7:103,540,256, G>A on the plus strand (C>T on the coding strand, the complement: RELN is on the minus strand). VCF-style: chr7-103540256-G-A. GRCh37 (hg19) VCF-style: chr7-103180703-G-A.
Other names: c.6871C>T, p.Leu2291Phe (NM_173054.3); short protein forms L2291F.
Identifiers: ClinVar variation 845382 (VCV000845382.9), dbSNP rs1830148402, ClinGen allele CA368769783.

ClinVar aggregate classification (germline): Uncertain significance (1 of 4 stars; one submission).

Conditions:
Norman-Roberts syndrome (LIS2). Also called: Lissencephaly 2 (Norman-Roberts type). Identifiers: Orphanet 89844, MedGen C0796089, MONDO:0009760, OMIM 257320.
Familial temporal lobe epilepsy 7. Identifiers: Orphanet 101046, MedGen C4225327, MONDO:0014639, OMIM 616436.

Submission:

Labcorp Genetics (formerly Invitae), Labcorp
Classification: Uncertain significance for Familial temporal lobe epilepsy 7; Norman-Roberts syndrome. Last evaluated: 2022-07-12. Review status: criteria provided, single submitter. Criteria: Invitae Variant Classification Sherloc (09022015). Collection method: clinical testing. Allele origin: germline.
Comment: This sequence change replaces leucine, which is neutral and non-polar, with phenylalanine, which is neutral and non-polar, at codon 2291 of the RELN protein (p.Leu2291Phe). In summary, the available evidence is currently insufficient to determine the role of this variant in disease. Therefore, it has been classified as a Variant of Uncertain Significance. Algorithms developed to predict the effect of missense changes on protein structure and function are either unavailable or do not agree on the potential impact of this missense change (SIFT: "Deleterious"; PolyPhen-2: "Possibly Damaging"; Align-GVGD: "Class C0"). ClinVar contains an entry for this variant (Variation ID: 845382). This variant has not been reported in the literature in individuals affected with RELN-related conditions. This variant is not present in population databases (gnomAD no frequency).